The following is an entry in ClinVar:

NM_152268.4(PARS2):c.1362T>A (p.Thr454=)

Gene: PARS2 (prolyl-tRNA synthetase 2, mitochondrial; minus strand). Cytogenetic location: 1p32.3.
Variant type: single nucleotide variant.
Coding change: c.1362T>A on transcript NM_152268.4 (MANE Select); coding-DNA position 1362, T replaced by A.
Protein change: p.Thr454=; no amino-acid change (threonine 454 retained).
Molecular consequence: synonymous variant.
Genome position (GRCh38, 1-based): chr1:54,757,800, A>T on the plus strand (T>A on the coding strand, the complement: PARS2 is on the minus strand). VCF-style: chr1-54757800-A-T. GRCh37 (hg19) VCF-style: chr1-55223473-A-T.
Identifiers: ClinVar variation 4811327 (VCV004811327.2).

ClinVar aggregate classification (germline): Conflicting classifications of pathogenicity. Review status: criteria provided, conflicting classifications (1 of 4 stars). 2 submissions from 2 submitters: Uncertain significance (1); Likely benign (1). Last evaluated 2025-08-26.

gnomAD v4.1: 41 of 1,614,182 alleles (0.0025%); highest among the groups gnomAD compares: East Asian, 0.082%; no homozygotes.

Submissions (2):

Labcorp Genetics (formerly Invitae), Labcorp
Classification: Uncertain significance. Last evaluated: 2025-08-26. Review status: criteria provided, single submitter. Criteria: Invitae Variant Classification Sherloc (09022015). Collection method: clinical testing. Allele origin: germline.
Comment: This sequence change affects codon 454 of the PARS2 mRNA. It is a 'silent' change, meaning that it does not change the encoded amino acid sequence of the PARS2 protein. The frequency data for this variant in the population databases is considered unreliable, as metrics indicate poor data quality at this position in the gnomAD database. This variant has not been reported in the literature in individuals affected with PARS2-related conditions. Algorithms developed to predict the effect of sequence changes on RNA splicing suggest that this variant may create or strengthen a splice site. In summary, the available evidence is currently insufficient to determine the role of this variant in disease. Therefore, it has been classified as a Variant of Uncertain Significance.

Blueprint Genetics
Classification: Likely benign. Last evaluated: 2023-12-15. Review status: criteria provided, single submitter. Criteria: ACMG Guidelines, 2015. Collection method: clinical testing. Allele origin: germline.